The following is an entry in ClinVar:

ClinVar aggregate classification (germline): Uncertain significance (1 of 4 stars; one submission).

gnomAD v4.1: 10 of 1,613,948 alleles (0.00062%); highest among the groups gnomAD compares: African/African-American, 0.0027%; no homozygotes.

Submission:

Labcorp Genetics (formerly Invitae), Labcorp
Classification: Uncertain significance. Last evaluated: 2025-02-27. Review status: criteria provided, single submitter. Criteria: Invitae Variant Classification Sherloc (09022015). Collection method: clinical testing. Allele origin: germline.
Comment: This sequence change replaces aspartic acid, which is acidic and polar, with asparagine, which is neutral and polar, at codon 101 of the LCAT protein (p.Asp101Asn). This variant is present in population databases (rs538148718, gnomAD 0.004%). This missense change has been observed in individuals with LCAT-related conditions (PMID: 18397721, 30333156, 30506915; internal data). Invitae Evidence Modeling of protein sequence and biophysical properties (such as structural, functional, and spatial information, amino acid conservation, physicochemical variation, residue mobility, and thermodynamic stability) has been performed for this missense variant. However, the output from this modeling did not meet the statistical confidence thresholds required to predict the impact of this variant on LCAT protein function. In summary, the available evidence is currently insufficient to determine the role of this variant in disease. Therefore, it has been classified as a Variant of Uncertain Significance.

Literature cited by the submitters: PubMed 18397721; PubMed 30333156; PubMed 30506915.

NM_000229.2(LCAT):c.301G>A (p.Asp101Asn)

Gene: LCAT (lecithin-cholesterol acyltransferase; minus strand). Cytogenetic location: 16q22.1.
Variant type: single nucleotide variant.
Coding change: c.301G>A on transcript NM_000229.2 (MANE Select); coding-DNA position 301, G replaced by A.
Protein change: p.Asp101Asn; replaces aspartic acid 101 with asparagine.
Molecular consequence: missense variant.
Genome position (GRCh38, 1-based): chr16:67,943,066, C>T on the plus strand (G>A on the coding strand, the complement: LCAT is on the minus strand). VCF-style: chr16-67943066-C-T. GRCh37 (hg19) VCF-style: chr16-67976969-C-T.
Other names: short protein forms D101N.
Identifiers: ClinVar variation 4710273 (VCV004710273.1).